The following is an entry in ClinVar:

ClinVar aggregate classification (germline): Uncertain significance (1 of 4 stars; one submission).

Conditions:
Hereditary cancer-predisposing syndrome. Also called: Neoplastic Syndromes, Hereditary; Tumor predisposition; Hereditary neoplastic syndrome; Hereditary Cancer Syndrome. Identifiers: Orphanet 140162, MedGen C0027672, MeSH D009386, MONDO:0015356.

Submission:

Ambry Genetics
Classification: Uncertain significance for Hereditary cancer-predisposing syndrome. Last evaluated: 2026-07-04. Review status: criteria provided, single submitter. Criteria: Ambry Variant Classification Scheme 2023. Collection method: clinical testing. Allele origin: germline.
Comment: The p.G1157E variant (also known as c.3470G>A), located in coding exon 22 of the RAD50 gene, results from a G to A substitution at nucleotide position 3470. The glycine at codon 1157 is replaced by glutamic acid, an amino acid with similar properties. This amino acid position is conserved. In addition, this alteration is predicted to be deleterious by in silico analysis. Based on the available evidence, the clinical significance of this variant remains unclear.

NM_005732.4(RAD50):c.3470G>A (p.Gly1157Glu)

Genes: RAD50 (RAD50 double strand break repair protein; plus strand), TH2-LCR (Th2 cytokine locus control region; plus strand), TH2LCRR (T helper type 2 locus control region associated RNA; minus strand). Cytogenetic location: 5q31.1.
Variant type: single nucleotide variant.
Coding change: c.3470G>A on transcript NM_005732.4 (MANE Select); coding-DNA position 3470, G replaced by A.
Protein change: p.Gly1157Glu; replaces glycine 1157 with glutamic acid.
Molecular consequence: missense variant.
Genome position (GRCh38, 1-based): chr5:132,637,195, G>A. VCF-style: chr5-132637195-G-A. GRCh37 (hg19) VCF-style: chr5-131972887-G-A.
Other names: short protein forms G1157E.
Identifiers: ClinVar variation 5027714 (VCV005027714.1).